The following is an entry in ClinVar:

ClinVar aggregate classification (germline): Conflicting classifications of pathogenicity. Review status: criteria provided, conflicting classifications (1 of 4 stars). 11 submissions from 11 submitters: Uncertain significance (2); Benign (2); Likely benign (7). Last evaluated 2026-06-12.

Conditions:
Early-infantile DEE. Also called: Early infantile epileptic encephalopathy; Early infantile epileptic encephalopathy with suppression bursts; Ohtahara syndrome. Identifiers: Orphanet 1934, MedGen C0393706, MONDO:0800491.
Inborn genetic diseases. Identifiers: MedGen C0950123, MeSH D030342.
Early Myoclonic Encephalopathy. Identifiers: MedGen C0270855.

Allele frequency attached by ClinVar (database versions not stated): 1000 Genomes Project 30x 0.00016; 1000 Genomes Project 0.00020; ESP Exome Variant Server 0.00031; gnomAD 0.00059 and 0.00063; gnomAD exomes 0.00069; TOPMed 0.00082; ExAC 0.00105.
gnomAD v4.1: 1,048 of 1,581,150 alleles (0.066%); highest among the groups gnomAD compares: Admixed American, 0.15%; 1 homozygote.

Submissions (11):

Women's Health and Genetics/Laboratory Corporation of America, LabCorp
Classification: Likely benign. Last evaluated: 2026-06-12. Review status: criteria provided, single submitter. Criteria: LabCorp Variant Classification Summary - May 2015. Collection method: clinical testing. Allele origin: germline.

Labcorp Genetics (formerly Invitae), Labcorp
Classification: Benign for Early-infantile DEE. Last evaluated: 2026-01-18. Review status: criteria provided, single submitter. Criteria: Invitae Variant Classification Sherloc (09022015). Collection method: clinical testing. Allele origin: germline.

CeGaT Center for Human Genetics Tuebingen
Classification: Likely benign. Last evaluated: 2025-11-01. Review status: criteria provided, single submitter. Criteria: CeGaT Center For Human Genetics Tuebingen Variant Classification Criteria Version 2. Collection method: clinical testing. Allele origin: germline. Affected: yes. Observed: 7 variant alleles.
Comment: SLC25A22: BP4, BP7

Blueprint Genetics
Classification: Likely benign. Last evaluated: 2024-10-28. Review status: criteria provided, single submitter. Criteria: ACMG Guidelines, 2015. Collection method: clinical testing. Allele origin: germline.

Athena Diagnostics
Classification: Likely benign. Last evaluated: 2018-01-19. Review status: criteria provided, single submitter. Criteria: Athena Diagnostics Criteria. Collection method: clinical testing. Allele origin: germline.

Eurofins Ntd Llc (ga)
Classification: Uncertain significance. Last evaluated: 2017-06-09. Review status: criteria provided, single submitter. Criteria: EGL Classification Definitions 2015. Collection method: clinical testing. Allele origin: germline. Observed: 1 variant allele, 1 heterozygote.

Illumina Laboratory Services, Illumina
Classification: Uncertain significance for Developmental and epileptic encephalopathy, 3. Last evaluated: 2017-04-27. Review status: criteria provided, single submitter. Criteria: ICSL Variant Classification Criteria 13 December 2019. Collection method: clinical testing. Allele origin: germline.

Genetic Services Laboratory, University of Chicago
Classification: Likely benign. Last evaluated: 2016-12-02. Review status: criteria provided, single submitter. Criteria: ACMG Guidelines, 2015. Collection method: clinical testing. Allele origin: germline. Affected: no.

Ambry Genetics
Classification: Likely benign for Inborn genetic diseases. Last evaluated: 2016-05-03. Review status: criteria provided, single submitter. Criteria: Ambry Variant Classification Scheme 2023. Collection method: clinical testing. Allele origin: germline.

GeneDx
Classification: Benign. Last evaluated: 2013-02-28. Review status: criteria provided, single submitter. Criteria: GeneDx Variant Classification (06012015). Collection method: clinical testing. Allele origin: germline. Affected: yes.
Comment: This variant is considered likely benign or benign based on one or more of the following criteria: it is a conservative change, it occurs at a poorly conserved position in the protein, it is predicted to be benign by multiple in silico algorithms, and/or has population frequency not consistent with disease.

PreventionGenetics, part of Exact Sciences
Classification: Likely benign. Review status: criteria provided, single submitter. Criteria: ACMG Guidelines, 2015. Collection method: clinical testing. Allele origin: germline.

NM_001191061.2(SLC25A22):c.495C>T (p.Ala165=)

Gene: SLC25A22 (solute carrier family 25 member 22; minus strand). Cytogenetic location: 11p15.5.
Variant type: single nucleotide variant.
Coding change: c.495C>T on transcript NM_001191061.2 (MANE Select); coding-DNA position 495, C replaced by T.
Protein change: p.Ala165=; no amino-acid change (alanine 165 retained).
Molecular consequence: synonymous variant.
Genome position (GRCh38, 1-based): chr11:792,645, G>A on the plus strand (C>T on the coding strand, the complement: SLC25A22 is on the minus strand). VCF-style: chr11-792645-G-A. GRCh37 (hg19) VCF-style: chr11-792645-G-A.
Other names: p.A165A:GCC>GCT; c.495C>T, p.Ala165= (NM_001191060.2, NM_024698.6).
Identifiers: ClinVar variation 139138 (VCV000139138.67), dbSNP rs374780430, ClinGen allele CA293519.